The following is an entry in ClinVar:

ClinVar aggregate classification (germline): Likely benign. Review status: criteria provided, multiple submitters, no conflicts (2 of 4 stars). 3 submissions from 3 submitters: Likely benign (3). Last evaluated 2026-05-07.

Conditions:
POLD1-related polyposis and colorectal cancer syndrome (CRCS10). Also called: Colorectal cancer, susceptibility to, 10; Colorectal cancer 10; COLORECTAL CANCER, SUSCEPTIBILITY TO, ON CHROMOSOME 19q. Identifiers: Orphanet 220460, MedGen C2675481, MONDO:0012953, OMIM 612591.
Hereditary cancer-predisposing syndrome. Also called: Neoplastic Syndromes, Hereditary; Hereditary neoplastic syndrome; Hereditary Cancer Syndrome; Tumor predisposition. Identifiers: Orphanet 140162, MedGen C0027672, MeSH D009386, MONDO:0015356.

Submissions (3):

Ambry Genetics
Classification: Likely benign for Hereditary cancer-predisposing syndrome. Last evaluated: 2026-05-07. Review status: criteria provided, single submitter. Criteria: Ambry Variant Classification Scheme 2023. Collection method: clinical testing. Allele origin: germline.

Labcorp Genetics (formerly Invitae), Labcorp
Classification: Likely benign for POLD1-related polyposis and colorectal cancer syndrome. Last evaluated: 2025-08-04. Review status: criteria provided, single submitter. Criteria: Invitae Variant Classification Sherloc (09022015). Collection method: clinical testing. Allele origin: germline.

GeneDx
Classification: Likely benign. Last evaluated: 2016-06-13. Review status: criteria provided, single submitter. Criteria: GeneDx Variant Classification (06012015). Collection method: clinical testing. Allele origin: germline. Affected: yes.
Comment: This variant is considered likely benign or benign based on one or more of the following criteria: it is a conservative change, it occurs at a poorly conserved position in the protein, it is predicted to be benign by multiple in silico algorithms, and/or has population frequency not consistent with disease.

NM_002691.4(POLD1):c.2007-4G>C

Gene: POLD1 (DNA polymerase delta 1, catalytic subunit; plus strand). Cytogenetic location: 19q13.33.
Variant type: single nucleotide variant.
Coding change: c.2007-4G>C on transcript NM_002691.4 (MANE Select); 4 bases into the intron before coding-DNA position 2007, G replaced by C.
Molecular consequence: intron variant.
Genome position (GRCh38, 1-based): chr19:50,409,515, G>C. VCF-style: chr19-50409515-G-C. GRCh37 (hg19) VCF-style: chr19-50912772-G-C.
Other names: c.2007-4G>C (LRG_785t1, NM_001256849.1); c.2085-4G>C (LRG_785t2, NM_001308632.1).
Identifiers: ClinVar variation 386948 (VCV000386948.11), dbSNP rs202035484, ClinGen allele CA16608274.